The following is an entry in ClinVar:

ClinVar aggregate classification (germline): Likely benign (0 of 4 stars; one submission).

Conditions:
DNAH7-related disorder. Also called: DNAH7-related condition.

Submission:

PreventionGenetics, part of Exact Sciences
Classification: Likely benign for DNAH7-related condition. Last evaluated: 2021-09-09. Review status: no assertion criteria provided. Collection method: clinical testing. Allele origin: germline.
Comment: This variant is classified as likely benign based on ACMG/AMP sequence variant interpretation guidelines (Richards et al. 2015 PMID: 25741868, with internal and published modifications).

NM_018897.3(DNAH7):c.7507-6A>T

Gene: DNAH7 (dynein axonemal heavy chain 7; minus strand). Cytogenetic location: 2q32.3.
Variant type: single nucleotide variant.
Coding change: c.7507-6A>T on transcript NM_018897.3 (MANE Select); 6 bases into the intron before coding-DNA position 7507, A replaced by T.
Molecular consequence: intron variant.
Genome position (GRCh38, 1-based): chr2:195,861,952, T>A on the plus strand (A>T on the coding strand, the complement: DNAH7 is on the minus strand). VCF-style: chr2-195861952-T-A. GRCh37 (hg19) VCF-style: chr2-196726676-T-A.
Identifiers: ClinVar variation 3033011 (VCV003033011.2), dbSNP rs371763315, ClinGen allele CA2740096405.